The following is an entry in ClinVar:

NM_017654.4(SAMD9):c.3719G>C (p.Gly1240Ala)

Gene: SAMD9 (sterile alpha motif domain containing 9; minus strand). Cytogenetic location: 7q21.2.
Variant type: single nucleotide variant.
Coding change: c.3719G>C on transcript NM_017654.4 (MANE Select); coding-DNA position 3719, G replaced by C.
Protein change: p.Gly1240Ala; replaces glycine 1240 with alanine.
Molecular consequence: missense variant.
Genome position (GRCh38, 1-based): chr7:93,102,379, C>G on the plus strand (G>C on the coding strand, the complement: SAMD9 is on the minus strand). VCF-style: chr7-93102379-C-G. GRCh37 (hg19) VCF-style: chr7-92731692-C-G.
Other names: c.3719G>C (NM_017654.3); c.3719G>C, p.Gly1240Ala (NM_001193307.2); short protein forms G1240A.
Identifiers: ClinVar variation 3624710 (VCV003624710.3).
Genomic context (GRCh38, chr7:93,102,379, plus strand): 5'-AATTTAGTTAAATAAGGAATATAGTTTTTGAGGGCTAATTTATATTCATTGTTTGGATCC[C>G]CTGGAATATCACTACTTCCTGATACAAAATTGACCATATATCTTTTAGATAGCTCATTTT-3'
Protein context (NP_060124.2, residues 1230-1250): NFVSGSSDIP[Gly1240Ala]DPNNEYKLAL

ClinVar aggregate classification (germline): Uncertain significance. Review status: criteria provided, multiple submitters, no conflicts (2 of 4 stars). 2 submissions from 2 submitters: Uncertain significance (2). Last evaluated 2025-02-08.

Conditions:
Inborn genetic diseases. Identifiers: MedGen C0950123, MeSH D030342.

gnomAD v4.1: 2 of 1,608,738 alleles (0.00012%); highest among the groups gnomAD compares: East Asian, 0.0022%; no homozygotes.

Submissions (2):

Ambry Genetics
Classification: Uncertain significance for Inborn genetic diseases. Last evaluated: 2025-02-08. Review status: criteria provided, single submitter. Criteria: Ambry Variant Classification Scheme 2023. Collection method: clinical testing. Allele origin: germline.
Comment: The p.G1240A variant (also known as c.3719G>C), located in coding exon 1 of the SAMD9 gene, results from a G to C substitution at nucleotide position 3719. The glycine at codon 1240 is replaced by alanine, an amino acid with similar properties. This amino acid position is conserved. In addition, this alteration is predicted to be tolerated by in silico analysis. Based on the available evidence, the clinical significance of this variant remains unclear.

Labcorp Genetics (formerly Invitae), Labcorp
Classification: Uncertain significance. Last evaluated: 2024-10-15. Review status: criteria provided, single submitter. Criteria: Invitae Variant Classification Sherloc (09022015). Collection method: clinical testing. Allele origin: germline.
Comment: This sequence change replaces glycine, which is neutral and non-polar, with alanine, which is neutral and non-polar, at codon 1240 of the SAMD9 protein (p.Gly1240Ala). This variant is present in population databases (rs780310469, gnomAD 0.01%). This variant has not been reported in the literature in individuals affected with SAMD9-related conditions. Invitae Evidence Modeling of protein sequence and biophysical properties (such as structural, functional, and spatial information, amino acid conservation, physicochemical variation, residue mobility, and thermodynamic stability) indicates that this missense variant is not expected to disrupt SAMD9 protein function with a negative predictive value of 95%. In summary, the available evidence is currently insufficient to determine the role of this variant in disease. Therefore, it has been classified as a Variant of Uncertain Significance.